The following is an entry in ClinVar:

NM_003660.4(PPFIA3):c.2692A>G (p.Ile898Val)

Gene: PPFIA3 (PPFI scaffold protein A3; plus strand). Cytogenetic location: 19q13.33.
Variant type: single nucleotide variant.
Coding change: c.2692A>G on transcript NM_003660.4 (MANE Select); coding-DNA position 2692, A replaced by G.
Protein change: p.Ile898Val; replaces isoleucine 898 with valine.
Molecular consequence: missense variant. On other transcripts: non-coding transcript variant (1).
Genome position (GRCh38, 1-based): chr19:49,142,951, A>G. VCF-style: chr19-49142951-A-G. GRCh37 (hg19) VCF-style: chr19-49646208-A-G.
Other names: short protein forms I898V.
Identifiers: ClinVar variation 3365413 (VCV003365413.2).

ClinVar aggregate classification (germline): Uncertain significance (1 of 4 stars; one submission).

gnomAD v4.1: 1 of 1,613,072 alleles (0.000062%); highest among the groups gnomAD compares: Non-Finnish European, 0.000085%; no homozygotes.

Submission:

GeneDx
Classification: Uncertain significance. Last evaluated: 2025-07-10. Review status: criteria provided, single submitter. Criteria: GeneDx Variant Classification Process June 2021. Collection method: clinical testing. Allele origin: germline.
Comment: Not observed at significant frequency in large population cohorts (gnomAD); In silico analysis suggests that this missense variant does not alter protein structure/function; Has not been previously published as pathogenic or benign to our knowledge